The following is an entry in ClinVar:

NM_001032382.2(PQBP1):c.461_462del (p.Glu154fs)

Gene: PQBP1 (polyglutamine binding protein 1; plus strand). Cytogenetic location: Xp11.23.
Variant type: Microsatellite.
Coding change: c.461_462del on transcript NM_001032382.2 (MANE Select); coding-DNA positions 461 to 462, 2 bases deleted (AG; older notation c.461_462delAG).
Protein change: p.Glu154fs; shifts the reading frame from glutamic acid 154.
Molecular consequence: frameshift variant. On other transcripts: intron variant (2).
Genome position (GRCh38, 1-based): chrX:48,902,401-48,902,402, AG deleted; deleting any 2 consecutive bases within chrX:48,902,391-48,902,402 gives the same sequence; the c. name uses the placement nearest the transcript's 3' end. VCF-style (leftmost placement, unchanged base first): chrX-48902390-CAG-C. GRCh37 (hg19) VCF-style: chrX-48759667-CAG-C.
Other names: c.461_462del, p.Glu154fs (NM_001032381.2, NM_001032383.2, NM_001032384.1 and 2 more transcripts); c.437_438del, p.Glu146fs (NM_001167990.2); c.293-341AG[5] (NM_144495.3); c.202-51AG[5] (NM_001167992.1); c.461_462del (NM_001032383.1); c.461_462delAG (NM_005710.2); short protein forms E154fs, E146fs.
Identifiers: ClinVar variation 10981 (VCV000010981.7), dbSNP rs606231193, ClinGen allele CA121284.

ClinVar aggregate classification (germline): Pathogenic. Review status: criteria provided, multiple submitters, no conflicts (2 of 4 stars). 4 submissions from 4 submitters: Pathogenic (2). 2 of the submissions do not count toward it. Last evaluated 2025-05-16.

Conditions:
Renpenning syndrome. Also called: MENTAL RETARDATION, X-LINKED 55; MENTAL RETARDATION, X-LINKED, SYNDROMIC 8; SUTHERLAND-HAAN X-LINKED MENTAL RETARDATION SYNDROME; GOLABI-ITO-HALL SYNDROME; Mental retardation, X-linked Renpenning type; X-linked mental retardation with spastic diplegia. Identifiers: Orphanet 3242, MedGen C0796135, MONDO:0010653, OMIM 309500.

Submissions (4):

Women's Health and Genetics/Laboratory Corporation of America, LabCorp
Classification: Pathogenic for Renpenning syndrome. Last evaluated: 2025-05-16. Review status: criteria provided, single submitter. Criteria: LabCorp Variant Classification Summary - May 2015. Collection method: clinical testing. Allele origin: germline.
Comment: Variant summary: PQBP1 c.461_462delAG (p.Glu154AlafsX12) results in a premature termination codon, predicted to cause a truncation of the encoded protein or absence of the protein due to nonsense mediated decay (NMD), which are commonly known mechanisms for disease. The variant allele was found at a frequency of 4.6e-06 in 1090556 control chromosomes (i.e. in 5 female carriers) in the gnomAD database (v4.1 dataset). The variant c.461_462delAG has been observed in individuals affected with Renpenning syndrome (e.g. Martinez-Garay_2007, Musante_2010). These data indicate that the variant is likely to be associated with disease. Publications reported experimental evidence evaluating an impact on protein function, and demonstrated that the variant causes striking decrease of the transcript likely as a consequence of NMD, in contrast with other frameshift variants affecting this protein region (e.g. Musante_2010, Mizuguchi_2014, Zhang_2017). The following publications have been ascertained in the context of this evaluation (PMID: 17033686, 24781215, 8073926, 19847789). ClinVar contains an entry for this variant (Variation ID: 10981). Based on the evidence outlined above, the variant was classified as pathogenic.

Institute of Human Genetics, FAU Erlangen, Friedrich-Alexander-Universität Erlangen-Nürnberg
Classification: Pathogenic for Renpenning syndrome. Last evaluated: 2025-02-19. Review status: criteria provided, single submitter. Criteria: Hauer et al. (Genet Med. 2018). Collection method: clinical testing. Allele origin: germline. Inheritance: X-linked recessive inheritance. Affected: yes. Observed: 2 variant alleles.
Comment: This variant has been identified by standard clinical testing. Selected ACMG criteria: Pathogenic (I):PP5;PM2;PS3;PVS1

Codex Genetics Limited
Classification: Pathogenic for Renpenning syndrome 1. Last evaluated: 2019-02-28. Review status: no assertion criteria provided. Collection method: provider interpretation. Allele origin: germline. Affected: yes. Not counted in ClinVar's aggregate classification.

OMIM
Classification: Pathogenic for RENPENNING SYNDROME. Last evaluated: 2007-01-01. Review status: no assertion criteria provided. Collection method: literature only. Allele origin: germline. Not counted in ClinVar's aggregate classification.

Literature cited by the submitters: PubMed 17033686 (cited by 3 submitters); PubMed 24781215 (cited by Women's Health and Genetics/Laboratory Corporation of America, LabCorp); PubMed 19847789 (cited by Women's Health and Genetics/Laboratory Corporation of America, LabCorp); PubMed 8073926 (cited by Women's Health and Genetics/Laboratory Corporation of America, LabCorp); PubMed 15024694 (cited by Codex Genetics Limited and OMIM); PubMed 14634649 (cited by Codex Genetics Limited and OMIM); PubMed 7943045 (cited by Codex Genetics Limited and OMIM).